The following is an entry in ClinVar:

ClinVar aggregate classification (germline): Uncertain significance (1 of 4 stars; one submission).

Conditions:
Neuropathy, hereditary sensory and autonomic, type 2A (HSAN2A). Also called: MORVAN DISEASE; NEUROPATHY, CONGENITAL SENSORY; NEUROPATHY, HEREDITARY SENSORY RADICULAR, AUTOSOMAL RECESSIVE; NEUROPATHY, HEREDITARY SENSORY, TYPE IIA; NEUROPATHY, PROGRESSIVE SENSORY, OF CHILDREN; ACROOSTEOLYSIS, GIACCAI TYPE. Identifiers: Orphanet 970, MedGen C2752089, MONDO:0024309, OMIM 201300.
Generalized epilepsy with febrile seizures plus, type 7 (GEFSP7). Also called: GEFS+, TYPE 7. Identifiers: Orphanet 36387, MedGen C2751778, MONDO:0013470, OMIM 613863.

Submission:

Labcorp Genetics (formerly Invitae), Labcorp
Classification: Uncertain significance for Neuropathy, hereditary sensory and autonomic, type 2A; Generalized epilepsy with febrile seizures plus, type 7. Last evaluated: 2020-10-26. Review status: criteria provided, single submitter. Criteria: Invitae Variant Classification Sherloc (09022015). Collection method: clinical testing. Allele origin: germline.
Comment: In summary, the available evidence is currently insufficient to determine the role of this variant in disease. Therefore, it has been classified as a Variant of Uncertain Significance. Algorithms developed to predict the effect of missense changes on protein structure and function output the following: SIFT: "Tolerated"; PolyPhen-2: "Benign"; Align-GVGD: "Class C0". The asparagine amino acid residue is found in multiple mammalian species, suggesting that this missense change does not adversely affect protein function. These predictions have not been confirmed by published functional studies and their clinical significance is uncertain. This variant has not been reported in the literature in individuals with SCN9A-related conditions. This variant is not present in population databases (ExAC no frequency). This sequence change replaces serine with asparagine at codon 1181 of the SCN9A protein (p.Ser1181Asn). The serine residue is moderately conserved and there is a small physicochemical difference between serine and asparagine.

NM_001365536.1(SCN9A):c.3575G>A (p.Ser1192Asn)

Genes: SCN1A-AS1 (SCN1A and SCN9A antisense RNA 1; plus strand), SCN9A (sodium voltage-gated channel alpha subunit 9; minus strand). Cytogenetic location: 2q24.3.
Variant type: single nucleotide variant.
Coding change: c.3575G>A on transcript NM_001365536.1 (MANE Select); coding-DNA position 3575, G replaced by A.
Protein change: p.Ser1192Asn; replaces serine 1192 with asparagine.
Molecular consequence: missense variant.
Genome position (GRCh38, 1-based): chr2:166,242,554, C>T on the plus strand (G>A on the coding strand, the complement: SCN9A is on the minus strand). VCF-style: chr2-166242554-C-T. GRCh37 (hg19) VCF-style: chr2-167099064-C-T.
Other names: c.3542G>A, p.Ser1181Asn (NM_002977.4); short protein forms S1181N, S1192N.
Identifiers: ClinVar variation 1060780 (VCV001060780.9), dbSNP rs2106410479, ClinGen allele CA349070230.